The following is an entry in ClinVar:

ClinVar aggregate classification (germline): Conflicting classifications of pathogenicity. Review status: criteria provided, conflicting classifications (1 of 4 stars). 8 submissions from 8 submitters: Uncertain significance (1); Benign (2); Likely benign (4). 1 of the submissions does not count toward it. Last evaluated 2026-03-01.

Conditions:
MYO15A-related disorder. Also called: MYO15A-related condition.
Autosomal recessive nonsyndromic hearing loss 3. Also called: NEUROSENSORY NONSYNDROMIC RECESSIVE DEAFNESS 3. Identifiers: Orphanet 90636, MedGen C1838263, MONDO:0010860, OMIM 600316.

Allele frequency attached by ClinVar (database versions not stated): 1000 Genomes Project 0.00040; ExAC 0.00148; 1000 Genomes Project 30x 0.00187; TOPMed 0.00287; gnomAD 0.00394 and 0.00413; gnomAD exomes 0.00404 and 0.00554.
gnomAD v4.1: 7,929 of 1,483,108 alleles (0.53%); highest among the groups gnomAD compares: Non-Finnish European, 0.59%; 39 homozygotes.

Submissions (8):

CeGaT Center for Human Genetics Tuebingen
Classification: Likely benign. Last evaluated: 2026-03-01. Review status: criteria provided, single submitter. Criteria: CeGaT Center For Human Genetics Tuebingen Variant Classification Criteria Version 2. Collection method: clinical testing. Allele origin: germline. Affected: yes. Observed: 10 variant alleles.
Comment: MYO15A: BP4, BP7, BS2

Labcorp Genetics (formerly Invitae), Labcorp
Classification: Likely benign. Last evaluated: 2026-02-02. Review status: criteria provided, single submitter. Criteria: Invitae Variant Classification Sherloc (09022015). Collection method: clinical testing. Allele origin: germline.

Blueprint Genetics
Classification: Likely benign. Last evaluated: 2024-11-22. Review status: criteria provided, single submitter. Criteria: ACMG Guidelines, 2015. Collection method: clinical testing. Allele origin: germline.

ARUP Laboratories, Molecular Genetics and Genomics, ARUP Laboratories
Classification: Benign for Autosomal recessive nonsyndromic hearing loss 3. Last evaluated: 2023-09-13. Review status: criteria provided, single submitter. Criteria: ARUP Molecular Germline Variant Investigation Process 2024. Collection method: clinical testing. Allele origin: germline.

GeneDx
Classification: Benign. Last evaluated: 2018-12-10. Review status: criteria provided, single submitter. Criteria: GeneDx Variant Classification Process June 2021. Collection method: clinical testing. Allele origin: germline. Affected: yes.

Illumina Laboratory Services, Illumina
Classification: Uncertain significance for Autosomal recessive nonsyndromic hearing loss 3. Last evaluated: 2018-01-13. Review status: criteria provided, single submitter. Criteria: ICSL Variant Classification Criteria 13 December 2019. Collection method: clinical testing. Allele origin: germline.

Laboratory for Molecular Medicine, Mass General Brigham Personalized Medicine
Classification: Likely benign. Last evaluated: 2015-05-22. Review status: criteria provided, single submitter. Criteria: LMM Criteria. Collection method: clinical testing. Allele origin: germline. Observed: 2 variant alleles.
Comment: p.Cys854Cys in exon 2 of MYO15A: This variant is not expected to have clinical s ignificance because it does not alter an amino acid residue, is not located with in the splice consensus sequence, and has been identified in 0.7% (4/552) of Eur opean chromosomes by the Exome Aggregation Consortium (ExAC; dbSNP rs182293382).

PreventionGenetics, part of Exact Sciences
Classification: Benign for MYO15A-related condition. Last evaluated: 2020-02-27. Review status: no assertion criteria provided. Collection method: clinical testing. Allele origin: germline. Not counted in ClinVar's aggregate classification.
Comment: This variant is classified as benign based on ACMG/AMP sequence variant interpretation guidelines (Richards et al. 2015 PMID: 25741868, with internal and published modifications).

NM_016239.4(MYO15A):c.2562C>T (p.Cys854=)

Gene: MYO15A (myosin XVA; plus strand). Cytogenetic location: 17p11.2.
Variant type: single nucleotide variant.
Coding change: c.2562C>T on transcript NM_016239.4 (MANE Select); coding-DNA position 2562, C replaced by T.
Protein change: p.Cys854=; no amino-acid change (cysteine 854 retained).
Molecular consequence: synonymous variant.
Genome position (GRCh38, 1-based): chr17:18,121,362, C>T. VCF-style: chr17-18121362-C-T. GRCh37 (hg19) VCF-style: chr17-18024676-C-T.
Identifiers: ClinVar variation 227637 (VCV000227637.57), dbSNP rs182293382, ClinGen allele CA8423276.